The following is an entry in ClinVar:

ClinVar aggregate classification (germline): Likely benign. Review status: criteria provided, multiple submitters, no conflicts (2 of 4 stars). 2 submissions from 2 submitters: Likely benign (2). Last evaluated 2025-08-01.

Allele frequency attached by ClinVar (database versions not stated): gnomAD exomes below 0.00001.
gnomAD v4.1: 1 of 1,614,086 alleles (0.000062%); highest among the groups gnomAD compares: Non-Finnish European, 0.000085%; no homozygotes.

Submissions (2):

CeGaT Center for Human Genetics Tuebingen
Classification: Likely benign. Last evaluated: 2025-08-01. Review status: criteria provided, single submitter. Criteria: CeGaT Center For Human Genetics Tuebingen Variant Classification Criteria Version 2. Collection method: clinical testing. Allele origin: germline. Affected: yes. Observed: 1 variant allele.
Comment: ABCA4: BP4, BP7

Labcorp Genetics (formerly Invitae), Labcorp
Classification: Likely benign. Last evaluated: 2023-05-23. Review status: criteria provided, single submitter. Criteria: Invitae Variant Classification Sherloc (09022015). Collection method: clinical testing. Allele origin: germline.

NM_000350.3(ABCA4):c.900C>A (p.Thr300=)

Gene: ABCA4 (ATP binding cassette subfamily A member 4; minus strand). Cytogenetic location: 1p22.1.
Variant type: single nucleotide variant.
Coding change: c.900C>A on transcript NM_000350.3 (MANE Select); coding-DNA position 900, C replaced by A.
Protein change: p.Thr300=; no amino-acid change (threonine 300 retained).
Molecular consequence: synonymous variant.
Genome position (GRCh38, 1-based): chr1:94,080,677, G>T on the plus strand (C>A on the coding strand, the complement: ABCA4 is on the minus strand). VCF-style: chr1-94080677-G-T. GRCh37 (hg19) VCF-style: chr1-94546233-G-T.
Other names: c.900C>A, p.Thr300= (NM_001425324.1).
Identifiers: ClinVar variation 2833617 (VCV002833617.11), dbSNP rs2523903248, ClinGen allele CA418826940.
Genomic context (GRCh38, chr1:94,080,677, plus strand): 5'-AGACAGGATGCCCATCAGCTTTGTAAAGGTCTCTGGACCACCATTCTGCATGAGGGGCCT[G>T]GTCACCCACAGCAAGTCCTGCATACTCGGCCGATGGATAAACTAGGGCAAGGCAAAGTCT-3'
Protein context (NP_000341.2, residues 290-310): RPSMQDLLWV[Thr300=]RPLMQNGGPE